The following is an entry in ClinVar:

NM_000126.4(ETFA):c.21G>C (p.Pro7=)

Gene: ETFA (electron transfer flavoprotein subunit alpha; minus strand). Cytogenetic location: 15q24.3.
Variant type: single nucleotide variant.
Coding change: c.21G>C on transcript NM_000126.4 (MANE Select); coding-DNA position 21, G replaced by C.
Protein change: p.Pro7=; no amino-acid change (proline 7 retained).
Molecular consequence: synonymous variant.
Genome position (GRCh38, 1-based): chr15:76,311,368, C>G on the plus strand (G>C on the coding strand, the complement: ETFA is on the minus strand). VCF-style: chr15-76311368-C-G. GRCh37 (hg19) VCF-style: chr15-76603709-C-G.
Other names: c.21G>C, p.Pro7= (NM_001127716.2).
Identifiers: ClinVar variation 514597 (VCV000514597.11), dbSNP rs903002200, ClinGen allele CA273705489.

ClinVar aggregate classification (germline): Likely benign. Review status: criteria provided, multiple submitters, no conflicts (2 of 4 stars). 3 submissions from 3 submitters: Likely benign (3). Last evaluated 2025-09-15.

Conditions:
Multiple acyl-CoA dehydrogenase deficiency (MADD). Also called: Glutaric aciduria, type 2; ETHYLMALONIC-ADIPICACIDURIA; GA II; Glutaric acidemia type II; GA 2; Glutaric Acidemia type 2. Identifiers: Orphanet 26791, MedGen C0268596, MONDO:0009282, OMIM 231680.

Allele frequency attached by ClinVar (database versions not stated): gnomAD 0.00001; TOPMed 0.00002.
gnomAD v4.1: 15 of 1,561,514 alleles (0.00096%); highest among the groups gnomAD compares: East Asian, 0.0024%; no homozygotes.

Submissions (3):

Labcorp Genetics (formerly Invitae), Labcorp
Classification: Likely benign for Multiple acyl-CoA dehydrogenase deficiency. Last evaluated: 2025-09-15. Review status: criteria provided, single submitter. Criteria: Invitae Variant Classification Sherloc (09022015). Collection method: clinical testing. Allele origin: germline.

Blueprint Genetics
Classification: Likely benign. Last evaluated: 2023-02-13. Review status: criteria provided, single submitter. Criteria: ACMG Guidelines, 2015. Collection method: clinical testing. Allele origin: germline.

GeneDx
Classification: Likely benign. Last evaluated: 2018-01-31. Review status: criteria provided, single submitter. Criteria: GeneDx Variant Classification (06012015). Collection method: clinical testing. Allele origin: germline. Affected: yes.
Comment: This variant is considered likely benign or benign based on one or more of the following criteria: it is a conservative change, it occurs at a poorly conserved position in the protein, it is predicted to be benign by multiple in silico algorithms, and/or has population frequency not consistent with disease.